The following is an entry in ClinVar:

ClinVar aggregate classification (germline): Likely pathogenic (0 of 4 stars; one submission).

Conditions:
INPP5E-related disorder. Also called: INPP5E-related condition.

Submission:

PreventionGenetics, part of Exact Sciences
Classification: Likely pathogenic for INPP5E-related condition. Last evaluated: 2024-01-16. Review status: no assertion criteria provided. Collection method: clinical testing. Allele origin: germline.
Comment: The INPP5E c.1286_1296del11 variant is predicted to result in a frameshift and premature protein termination (p.Asp429Glyfs*39). To our knowledge, this variant has not been reported in the literature or in a large population database, indicating this variant is rare. Frameshift variants in INPP5E are expected to be pathogenic. This variant is interpreted as likely pathogenic.

NM_019892.6(INPP5E):c.1286_1296del (p.Asp429fs)

Gene: INPP5E (inositol polyphosphate-5-phosphatase E; minus strand). Cytogenetic location: 9q34.3.
Variant type: Deletion.
Coding change: c.1286_1296del on transcript NM_019892.6 (MANE Select); coding-DNA positions 1286 to 1296, 11 bases deleted (ACGGGAAGGTG).
Protein change: p.Asp429fs; shifts the reading frame from aspartic acid 429.
Molecular consequence: frameshift variant.
Genome position (GRCh38, 1-based): chr9:136,432,570-136,432,580, CACCTTCCCGT deleted on the plus strand (ACGGGAAGGTG on the coding strand, the reverse complement: INPP5E is on the minus strand); deleting any 11 consecutive bases within chr9:136,432,570-136,432,585 gives the same sequence; the c. name uses the placement nearest the transcript's 3' end. VCF-style (leftmost placement, unchanged base first): chr9-136432569-CCACCTTCCCGT-C. GRCh37 (hg19) VCF-style: chr9-139327021-CCACCTTCCCGT-C.
Other names: short protein forms D429fs.
Identifiers: ClinVar variation 3357290 (VCV003357290.1).